The following is an entry in ClinVar:

ClinVar aggregate classification (germline): Conflicting classifications of pathogenicity. Review status: criteria provided, conflicting classifications (1 of 4 stars). 5 submissions from 5 submitters: Uncertain significance (1); Likely benign (3). 1 of the submissions does not count toward it. Last evaluated 2025-08-28.

Conditions:
NOTCH2-related disorder. Also called: NOTCH2-related condition.
Hajdu-Cheney syndrome (HJCYS). Also called: SERPENTINE FIBULA-POLYCYSTIC KIDNEY SYNDROME; ACROOSTEOLYSIS WITH OSTEOPOROSIS AND CHANGES IN SKULL AND MANDIBLE; Acroosteolysis dominant type. Identifiers: Orphanet 955, MedGen C0917715, MONDO:0007057, OMIM 102500.

Allele frequency attached by ClinVar (database versions not stated): TOPMed 0.00007; ESP Exome Variant Server 0.00008; gnomAD 0.00009; 1000 Genomes Project 30x 0.00016; 1000 Genomes Project 0.00020.
gnomAD v4.1: 153 of 1,614,164 alleles (0.0095%); highest among the groups gnomAD compares: Non-Finnish European, 0.0093%; no homozygotes.

Submissions (5):

Labcorp Genetics (formerly Invitae), Labcorp
Classification: Likely benign for Hajdu-Cheney syndrome. Last evaluated: 2025-08-28. Review status: criteria provided, single submitter. Criteria: Invitae Variant Classification Sherloc (09022015). Collection method: clinical testing. Allele origin: germline.

Blueprint Genetics
Classification: Likely benign. Last evaluated: 2023-12-15. Review status: criteria provided, single submitter. Criteria: ACMG Guidelines, 2015. Collection method: clinical testing. Allele origin: germline.

CeGaT Center for Human Genetics Tuebingen
Classification: Likely benign. Last evaluated: 2023-03-01. Review status: criteria provided, single submitter. Criteria: CeGaT Center For Human Genetics Tuebingen Variant Classification Criteria Version 2. Collection method: clinical testing. Allele origin: germline. Affected: yes. Observed: 1 variant allele.
Comment: NOTCH2: BP4, BP7

Eurofins Ntd Llc (ga)
Classification: Uncertain significance. Last evaluated: 2016-06-08. Review status: criteria provided, single submitter. Criteria: EGL Classification Definitions 2015. Collection method: clinical testing. Allele origin: germline. Observed: 1 variant allele, 1 heterozygote.

PreventionGenetics, part of Exact Sciences
Classification: Likely benign for NOTCH2-related condition. Last evaluated: 2019-06-24. Review status: no assertion criteria provided. Collection method: clinical testing. Allele origin: germline. Not counted in ClinVar's aggregate classification.
Comment: This variant is classified as likely benign based on ACMG/AMP sequence variant interpretation guidelines (Richards et al. 2015 PMID: 25741868, with internal and published modifications).

NM_024408.4(NOTCH2):c.6477G>A (p.Thr2159=)

Gene: NOTCH2 (notch receptor 2; minus strand). Cytogenetic location: 1p12.
Variant type: single nucleotide variant.
Coding change: c.6477G>A on transcript NM_024408.4 (MANE Select); coding-DNA position 6477, G replaced by A.
Protein change: p.Thr2159=; no amino-acid change (threonine 2159 retained).
Molecular consequence: synonymous variant.
Genome position (GRCh38, 1-based): chr1:119,916,245, C>T on the plus strand (G>A on the coding strand, the complement: NOTCH2 is on the minus strand). VCF-style: chr1-119916245-C-T. GRCh37 (hg19) VCF-style: chr1-120458868-C-T.
Other names: c.6477G>A (NM_024408.3).
Identifiers: ClinVar variation 288692 (VCV000288692.39), dbSNP rs145566650, ClinGen allele CA1039422.